The following is an entry in ClinVar:

ClinVar aggregate classification (germline): Uncertain significance (1 of 4 stars; one submission).

Conditions:
Immunodeficiency 35 (IMD35). Also called: TYK2 DEFICIENCY; HIES WITH ATYPICAL MYCOBACTERIOSIS, AUTOSOMAL RECESSIVE; HYPER-IgE SYNDROME WITH ATYPICAL MYCOBACTERIOSIS, AUTOSOMAL RECESSIVE; Susceptibility to infection due to TYK2 deficiency. Identifiers: Orphanet 331226, MedGen C1969086, MONDO:0012682, OMIM 611521.

Allele frequency attached by ClinVar (database versions not stated): gnomAD 0.00001; ExAC 0.00004.
gnomAD v4.1: 22 of 1,599,644 alleles (0.0014%); highest among the groups gnomAD compares: Non-Finnish European, 0.0018%; no homozygotes.

Submission:

Labcorp Genetics (formerly Invitae), Labcorp
Classification: Uncertain significance for Immunodeficiency 35. Last evaluated: 2023-01-03. Review status: criteria provided, single submitter. Criteria: Invitae Variant Classification Sherloc (09022015). Collection method: clinical testing. Allele origin: germline.
Comment: This variant is present in population databases (rs762508451, gnomAD 0.005%). This sequence change falls in intron 23 of the TYK2 gene. It does not directly change the encoded amino acid sequence of the TYK2 protein. It affects a nucleotide within the consensus splice site. This variant has not been reported in the literature in individuals affected with TYK2-related conditions. In summary, the available evidence is currently insufficient to determine the role of this variant in disease. Therefore, it has been classified as a Variant of Uncertain Significance. Variants that disrupt the consensus splice site are a relatively common cause of aberrant splicing (PMID: 17576681, 9536098). Algorithms developed to predict the effect of sequence changes on RNA splicing suggest that this variant may disrupt the consensus splice site.

Literature cited by the submitters: PubMed 17576681; PubMed 9536098.

NM_003331.5(TYK2):c.3318+5G>A

Gene: TYK2 (tyrosine kinase 2; minus strand). Cytogenetic location: 19p13.2.
Variant type: single nucleotide variant.
Coding change: c.3318+5G>A on transcript NM_003331.5 (MANE Select); 5 bases into the intron after coding-DNA position 3318, G replaced by A.
Molecular consequence: intron variant.
Genome position (GRCh38, 1-based): chr19:10,352,429, C>T on the plus strand (G>A on the coding strand, the complement: TYK2 is on the minus strand). VCF-style: chr19-10352429-C-T. GRCh37 (hg19) VCF-style: chr19-10463105-C-T.
Other names: c.3132+5G>A (NM_001385199.1); c.3318+5G>A (NM_001406461.1, NM_001385197.1); c.3228+5G>A (NM_001385205.1); c.3120+5G>A (NM_001385201.1); c.3192+5G>A (NM_001385206.1); c.3300+5G>A (NM_001385207.1); c.3234+5G>A (NM_001385202.1); c.3315+5G>A (NM_001385200.1); and 3 more.
Identifiers: ClinVar variation 2790844 (VCV002790844.3), dbSNP rs762508451, ClinGen allele CA9192765.
Genomic context (GRCh38, chr19:10,352,429, plus strand): 5'-GCCCAGCCTATGCCTTTCTAATTGCTCTAGCAAACTCCCGGTGGGGCTGCGGGCCTGGCT[C>T]TCACCGTGGGGGGGCTCTGGCTGGAGTCACAGTGCGTCAGCAGCTCATACAGGGTCACCC-3'